The following is an entry in ClinVar:

NM_001386135.1(AFF3):c.3022G>A (p.Ala1008Thr)

Gene: AFF3 (ALF transcription elongation factor 3; minus strand). Cytogenetic location: 2q11.2.
Variant type: single nucleotide variant.
Coding change: c.3022G>A on transcript NM_001386135.1 (MANE Select); coding-DNA position 3022, G replaced by A.
Protein change: p.Ala1008Thr; replaces alanine 1008 with threonine.
Molecular consequence: missense variant.
Genome position (GRCh38, 1-based): chr2:99,565,584, C>T on the plus strand (G>A on the coding strand, the complement: AFF3 is on the minus strand). VCF-style: chr2-99565584-C-T. GRCh37 (hg19) VCF-style: chr2-100182046-C-T.
Other names: c.3097G>A, p.Ala1033Thr (NM_001025108.2); c.3022G>A, p.Ala1008Thr (NM_002285.3); short protein forms A1008T, A1033T.
Identifiers: ClinVar variation 4532555 (VCV004532555.2).
Genomic context (GRCh38, chr2:99,565,584, plus strand): 5'-GAGATTTGGATTCCATGGGGCCTTGTTCCATTGCATTTCCACACTCGATAAACGACAATG[C>T]TGCTTCAGCATAGTTCAAAGCCTTTCCAAACTTTTCCACCTGATCAACAGAGTTAATACA-3'
Protein context (NP_001373064.1, residues 998-1018): FGKALNYAEA[Ala1008Thr]LSFIECGNAM

ClinVar aggregate classification (germline): Uncertain significance (1 of 4 stars; one submission).

Submission:

GeneDx
Classification: Uncertain significance. Last evaluated: 2026-01-06. Review status: criteria provided, single submitter. Criteria: GeneDx Variant Classification Process June 2021. Collection method: clinical testing. Allele origin: germline.
Comment: Not observed at significant frequency in large population cohorts (gnomAD); In silico analysis supports that this missense variant has a deleterious effect on protein structure/function; Has not been previously published as pathogenic or benign to our knowledge